The following is an entry in ClinVar:

NM_004260.4(RECQL4):c.1769T>C (p.Leu590Pro)

Gene: RECQL4 (RecQ like helicase 4; minus strand). Cytogenetic location: 8q24.3.
Variant type: single nucleotide variant.
Coding change: c.1769T>C on transcript NM_004260.4 (MANE Select); coding-DNA position 1769, T replaced by C.
Protein change: p.Leu590Pro; replaces leucine 590 with proline.
Molecular consequence: missense variant.
Genome position (GRCh38, 1-based): chr8:144,514,298, A>G on the plus strand (T>C on the coding strand, the complement: RECQL4 is on the minus strand). VCF-style: chr8-144514298-A-G. GRCh37 (hg19) VCF-style: chr8-145739682-A-G.
Other names: short protein forms L590P.
Identifiers: ClinVar variation 937245 (VCV000937245.7), dbSNP rs772166765, ClinGen allele CA4948667.

ClinVar aggregate classification (germline): Uncertain significance. Review status: criteria provided, multiple submitters, no conflicts (2 of 4 stars). 2 submissions from 2 submitters: Uncertain significance (2). Last evaluated 2025-11-11.

Conditions:
Inborn genetic diseases. Identifiers: MedGen C0950123, MeSH D030342.
Baller-Gerold syndrome (BGS). Also called: CRANIOSYNOSTOSIS WITH RADIAL DEFECTS. Identifiers: Orphanet 1225, MedGen C0265308, MONDO:0009039, OMIM 218600.

Allele frequency attached by ClinVar (database versions not stated): ExAC 0.00001; TOPMed 0.00001.
gnomAD v4.1: 5 of 1,610,784 alleles (0.00031%); highest among the groups gnomAD compares: Non-Finnish European, 0.00042%; no homozygotes.

Submissions (2):

Ambry Genetics
Classification: Uncertain significance for Inborn genetic diseases. Last evaluated: 2025-11-11. Review status: criteria provided, single submitter. Criteria: Ambry Variant Classification Scheme 2023. Collection method: clinical testing. Allele origin: germline.
Comment: The p.L590P variant (also known as c.1769T>C), located in coding exon 11 of the RECQL4 gene, results from a T to C substitution at nucleotide position 1769. The leucine at codon 590 is replaced by proline, an amino acid with similar properties. This amino acid position is conserved. In addition, this alteration is predicted to be deleterious by in silico analysis. Based on the available evidence, the clinical significance of this variant remains unclear.

Labcorp Genetics (formerly Invitae), Labcorp
Classification: Uncertain significance for Baller-Gerold syndrome. Last evaluated: 2023-08-14. Review status: criteria provided, single submitter. Criteria: Invitae Variant Classification Sherloc (09022015). Collection method: clinical testing. Allele origin: germline.
Comment: This sequence change replaces leucine, which is neutral and non-polar, with proline, which is neutral and non-polar, at codon 590 of the RECQL4 protein (p.Leu590Pro). The frequency data for this variant in the population databases is considered unreliable, as metrics indicate poor data quality at this position in the gnomAD database. This variant has not been reported in the literature in individuals affected with RECQL4-related conditions. ClinVar contains an entry for this variant (Variation ID: 937245). Advanced modeling of protein sequence and biophysical properties (such as structural, functional, and spatial information, amino acid conservation, physicochemical variation, residue mobility, and thermodynamic stability) performed at Invitae indicates that this missense variant is not expected to disrupt RECQL4 protein function. In summary, the available evidence is currently insufficient to determine the role of this variant in disease. Therefore, it has been classified as a Variant of Uncertain Significance.